The following is an entry in ClinVar:

NM_003128.3(SPTBN1):c.6790G>A (p.Val2264Met)

Genes: SPTBN1 (spectrin beta, non-erythrocytic 1; plus strand), SPTBN1-AS2 (SPTBN1 antisense RNA 2; minus strand). Cytogenetic location: 2p16.2.
Variant type: single nucleotide variant.
Coding change: c.6790G>A on transcript NM_003128.3 (MANE Select); coding-DNA position 6790, G replaced by A.
Protein change: p.Val2264Met; replaces valine 2264 with methionine.
Molecular consequence: missense variant.
Genome position (GRCh38, 1-based): chr2:54,666,045, G>A. VCF-style: chr2-54666045-G-A. GRCh37 (hg19) VCF-style: chr2-54893182-G-A.
Other names: short protein forms V2264M.
Identifiers: ClinVar variation 3322434 (VCV003322434.1).

ClinVar aggregate classification (germline): Uncertain significance (1 of 4 stars; one submission).

Conditions:
Inborn genetic diseases. Identifiers: MedGen C0950123, MeSH D030342.

Submission:

Ambry Genetics
Classification: Uncertain significance for Inborn genetic diseases. Last evaluated: 2024-06-10. Review status: criteria provided, single submitter. Criteria: Ambry Variant Classification Scheme 2023. Collection method: clinical testing. Allele origin: germline.
Comment: The c.6790G>A (p.V2264M) alteration is located in exon 34 (coding exon 33) of the SPTBN1 gene. This alteration results from a G to A substitution at nucleotide position 6790, causing the valine (V) at amino acid position 2264 to be replaced by a methionine (M). This variant was not reported in population-based cohorts in the Genome Aggregation Database (gnomAD). This amino acid position is well conserved in available vertebrate species. This alteration is predicted to be tolerated by in silico analysis. Based on insufficient or conflicting evidence, the clinical significance of this alteration remains unclear.